The following continues an entry in ClinVar:

NM_000023.4(SGCA):c.293G>A (p.Arg98His)

Gene: SGCA. ClinVar aggregate classification (germline): Pathogenic. Pathogenic (1).

Submissions 9 to 13 of 13:

Women's Health and Genetics/Laboratory Corporation of America, LabCorp
Classification: Pathogenic for Autosomal recessive limb-girdle muscular dystrophy. Last evaluated: 2022-10-02. Review status: criteria provided, single submitter. Criteria: LabCorp Variant Classification Summary - May 2015. Collection method: clinical testing. Allele origin: germline. Not counted in ClinVar's aggregate classification.
Comment: Variant summary: SGCA c.293G>A (p.Arg98His) results in a non-conservative amino acid change located in the Dystroglycan-type cadherin-like domain (IPR006644) of the encoded protein sequence. Four of five in-silico tools predict a damaging effect of the variant on protein function. The variant allele was found at a frequency of 2e-05 in 246232 control chromosomes. c.293G>A has been reported in the literature as biallelic genotypes in multiple individuals affected with features of Limb-Girdle Muscular Dystrophy, Autosomal Recessive (example, Eymard_1997, Wu_2018, Pagola-Lorz_2019). These data indicate that the variant is very likely to be associated with disease. At least one publication reports experimental evidence evaluating an impact on protein function (example, Gastaldello_2008). The most pronounced variant effect results in decreased expression of this alpha-Sarcoglycan mutant in beta-gamma-delta-HEK cells that could be rescued by the proteasomal inhibitor MG132 treatment. Four clinical diagnostic laboratories have submitted clinical-significance assessments for this variant to ClinVar after 2014 without evidence for independent evaluation. All laboratories classified the variant as pathogenic. Based on the evidence outlined above, the variant was classified as pathogenic.

Revvity Omics, Revvity
Classification: Pathogenic for Autosomal recessive limb-girdle muscular dystrophy type 2D. Last evaluated: 2022-06-28. Review status: criteria provided, single submitter. Criteria: ACMG Guidelines, 2015. Collection method: clinical testing. Allele origin: germline. Not counted in ClinVar's aggregate classification.

Eurofins Ntd Llc (ga)
Classification: Pathogenic. Last evaluated: 2018-06-12. Review status: criteria provided, single submitter. Criteria: EGL ClinVar v180209 classification definitions. Collection method: clinical testing. Allele origin: germline. Observed: 4 variant alleles, 3 heterozygotes, 1 homozygote. Not counted in ClinVar's aggregate classification.

Counsyl
Classification: Likely pathogenic for Limb-girdle muscular dystrophy, type 2D. Last evaluated: 2014-08-26. Review status: no assertion criteria provided. Collection method: literature only. Allele origin: unknown. Inheritance: Autosomal recessive inheritance. Not counted in ClinVar's aggregate classification.

OMIM
Classification: Pathogenic for MUSCULAR DYSTROPHY, LIMB-GIRDLE, AUTOSOMAL RECESSIVE 3. Last evaluated: 1994-08-26. Review status: no assertion criteria provided. Collection method: literature only. Allele origin: germline. Not counted in ClinVar's aggregate classification.

Literature cited by the submitters: PubMed 7668821 (cited by 4 submitters); PubMed 29382405 (cited by Natera, Inc. and Women's Health and Genetics/Laboratory Corporation of America, LabCorp); PubMed 31791368 (cited by Natera, Inc. and Women's Health and Genetics/Laboratory Corporation of America, LabCorp); PubMed 12746421 (cited by 4 submitters); PubMed 34505136 (cited by Natera, Inc. and Variantyx, Inc.); PubMed 22095924 (cited by 3 submitters); PubMed 37524782 (cited by Variantyx, Inc.); PubMed 27120200 (cited by Variantyx, Inc. and Labcorp Genetics (formerly Invitae), Labcorp); PubMed 8069911 (cited by 4 submitters); PubMed 9192266 (cited by Labcorp Genetics (formerly Invitae), Labcorp and Counsyl); PubMed 18535179 (cited by Labcorp Genetics (formerly Invitae), Labcorp and Women's Health and Genetics/Laboratory Corporation of America, LabCorp); PubMed 9153448 (cited by Women's Health and Genetics/Laboratory Corporation of America, LabCorp and Counsyl); PubMed 7663524 (cited by Counsyl); PubMed 18996010 (cited by Counsyl).